The following is an entry in ClinVar:

ClinVar aggregate classification (germline): Uncertain significance (1 of 4 stars; one submission).

Submission:

Greenwood Genetic Center Diagnostic Laboratories, Greenwood Genetic Center
Classification: Uncertain significance. Last evaluated: 2025-06-17. Review status: criteria provided, single submitter. Criteria: ACMG Guidelines, 2015. Collection method: clinical testing. Allele origin: germline. Affected: yes.
Comment: PM2, BP4

NM_001042492.3(NF1):c.60+23882C>G

Gene: NF1 (neurofibromin 1; plus strand). Cytogenetic location: 17q11.2.
Variant type: single nucleotide variant.
Coding change: c.60+23882C>G on transcript NM_001042492.3 (MANE Select); 23882 bases into the intron after coding-DNA position 60, C replaced by G.
Molecular consequence: intron variant.
Genome position (GRCh38, 1-based): chr17:31,119,251, C>G. VCF-style: chr17-31119251-C-G. GRCh37 (hg19) VCF-style: chr17-29446269-C-G.
Other names: c.60+23882C>G (NM_000267.4, NM_001128147.3).
Identifiers: ClinVar variation 4538316 (VCV004538316.1).
Genomic context (GRCh38, chr17:31,119,251, plus strand): 5'-TCGGCCTCCCAAAGTGCTGGGATTACAGGTGTGAGCCACCGCGCCTGGCCTTAAGAGTTC[C>G]TGTTTCTCCACCTCCTCTCCAGCATCTGTTGTTTCCTGACTTTTTAATGATCGCCATTCT-3'